The following is an entry in ClinVar:

ClinVar aggregate classification (germline): Uncertain significance (1 of 4 stars; one submission).

Allele frequency attached by ClinVar (database versions not stated): gnomAD exomes below 0.00001.
gnomAD v4.1: 1 of 1,613,852 alleles (0.000062%); highest among the groups gnomAD compares: Non-Finnish European, 0.000085%; no homozygotes.

Submission:

Labcorp Genetics (formerly Invitae), Labcorp
Classification: Uncertain significance. Last evaluated: 2022-11-29. Review status: criteria provided, single submitter. Criteria: Invitae Variant Classification Sherloc (09022015). Collection method: clinical testing. Allele origin: germline.
Comment: Algorithms developed to predict the effect of missense changes on protein structure and function are either unavailable or do not agree on the potential impact of this missense change (SIFT: "Not Available"; PolyPhen-2: "Possibly Damaging"; Align-GVGD: "Not Available"). This variant has not been reported in the literature in individuals affected with IFT88-related conditions. This variant is not present in population databases (gnomAD no frequency). This sequence change replaces proline, which is neutral and non-polar, with serine, which is neutral and polar, at codon 803 of the IFT88 protein (p.Pro803Ser). In summary, the available evidence is currently insufficient to determine the role of this variant in disease. Therefore, it has been classified as a Variant of Uncertain Significance.

NM_006531.5(IFT88):c.2380C>T (p.Pro794Ser)

Gene: IFT88 (intraflagellar transport 88; plus strand). Cytogenetic location: 13q12.11.
Variant type: single nucleotide variant.
Coding change: c.2380C>T on transcript NM_006531.5 (MANE Select); coding-DNA position 2380, C replaced by T.
Protein change: p.Pro794Ser; replaces proline 794 with serine.
Molecular consequence: missense variant. On other transcripts: 3 prime UTR variant (1), non-coding transcript variant (5).
Genome position (GRCh38, 1-based): chr13:20,691,080, C>T. VCF-style: chr13-20691080-C-T. GRCh37 (hg19) VCF-style: chr13-21265219-C-T.
Other names: c.2323C>T, p.Pro775Ser (NM_001318491.2); c.2407C>T, p.Pro803Ser (NM_001318493.2, NM_001353565.2, NM_001353566.2 and 2 more transcripts); c.2380C>T, p.Pro794Ser (NM_001353568.2); c.2305C>T, p.Pro769Ser (NM_001353569.2, NM_001353570.2); c.2278C>T, p.Pro760Ser (NM_001353571.2); c.2269C>T, p.Pro757Ser (NM_001353572.2); c.2236C>T, p.Pro746Ser (NM_001353573.2); c.2221C>T, p.Pro741Ser (NM_001353574.2); and 4 more; short protein forms P741S, P769S, P803S, P732S, P746S, P757S, P775S, P760S.
Identifiers: ClinVar variation 3009739 (VCV003009739.3), dbSNP rs2549011483, ClinGen allele CA387475587.
Genomic context (GRCh38, chr13:20,691,080, plus strand): 5'-ATAACTCTAACGTGACAATCTCTTCGAAACCTAGATGCCTCCTATGTGGACCCACTTGGC[C>T]CTCAAATAGAACGACCAAAAACTGCAGCCAAGAAAAGGATCGATGAGGATGATTTTGCTG-3'
Protein context (NP_006522.2, residues 784-804): IDASYVDPLG[Pro794Ser]QIERPKTAAK